The following is an entry in ClinVar:

ClinVar aggregate classification (germline): Uncertain significance. Review status: criteria provided, multiple submitters, no conflicts (2 of 4 stars). 5 submissions from 5 submitters: Uncertain significance (5). Last evaluated 2025-10-03.

Conditions:
Hereditary cancer-predisposing syndrome. Also called: Hereditary neoplastic syndrome; Neoplastic Syndromes, Hereditary; Tumor predisposition; Hereditary Cancer Syndrome. Identifiers: Orphanet 140162, MedGen C0027672, MeSH D009386, MONDO:0015356.
Hereditary diffuse gastric adenocarcinoma (HDGC). Also called: DIFFUSE GASTRIC AND LOBULAR BREAST CANCER SYNDROME. Identifiers: Orphanet 26106, MedGen C1708349, MONDO:0007648, OMIM 137215.
Familial cancer of breast. Also called: BREAST CANCER, FAMILIAL; Hereditary breast cancer; hereditary breast carcinoma. Identifiers: Orphanet 227535, MedGen C0346153, MONDO:0016419, OMIM 114480. Disease mechanism: loss of function.

Allele frequency attached by ClinVar (database versions not stated): gnomAD exomes 0.00001.
gnomAD v4.1: 3 of 1,614,214 alleles (0.00019%); highest among the groups gnomAD compares: Non-Finnish European, 0.00025%; no homozygotes.

Submissions (5):

Color Diagnostics, LLC DBA Color Health
Classification: Uncertain significance for Hereditary cancer-predisposing syndrome. Last evaluated: 2025-10-03. Review status: criteria provided, single submitter. Criteria: ACMG Guidelines, 2015. Collection method: clinical testing. Allele origin: germline.
Comment: This missense variant replaces glutamine with histidine at codon 195 of the CDH1 protein. To our knowledge, functional studies have not been reported for this variant. This variant has not been reported in individuals affected with CDH1-related disorders in the literature. This variant has been identified in 3/1461868 chromosomes in the general population by the Genome Aggregation Database (gnomAD). The available evidence is insufficient to determine the role of this variant in disease conclusively. Therefore, this variant is classified as a Variant of Uncertain Significance.

Ambry Genetics
Classification: Uncertain significance for Hereditary cancer-predisposing syndrome. Last evaluated: 2025-01-13. Review status: criteria provided, single submitter. Criteria: Ambry Variant Classification Scheme 2023. Collection method: clinical testing. Allele origin: germline.
Comment: The p.Q195H variant (also known as c.585A>C), located in coding exon 5 of the CDH1 gene, results from an A to C substitution at nucleotide position 585. The glutamine at codon 195 is replaced by histidine, an amino acid with highly similar properties. This amino acid position is not well conserved in available vertebrate species. In addition, this alteration is predicted to be tolerated by in silico analysis. Since supporting evidence is limited at this time, the clinical significance of this alteration remains unclear.

Labcorp Genetics (formerly Invitae), Labcorp
Classification: Uncertain significance for Hereditary diffuse gastric adenocarcinoma. Last evaluated: 2024-11-16. Review status: criteria provided, single submitter. Criteria: Invitae Variant Classification Sherloc (09022015). Collection method: clinical testing. Allele origin: germline.
Comment: This sequence change replaces glutamine, which is neutral and polar, with histidine, which is basic and polar, at codon 195 of the CDH1 protein (p.Gln195His). This variant is not present in population databases (gnomAD no frequency). This variant has not been reported in the literature in individuals affected with CDH1-related conditions. ClinVar contains an entry for this variant (Variation ID: 483220). An algorithm developed to predict the effect of missense changes on protein structure and function (PolyPhen-2) suggests that this variant is likely to be disruptive. In summary, the available evidence is currently insufficient to determine the role of this variant in disease. Therefore, it has been classified as a Variant of Uncertain Significance.

Baylor Genetics
Classification: Uncertain significance for Familial cancer of breast. Last evaluated: 2024-02-18. Review status: criteria provided, single submitter. Criteria: ACMG Guidelines, 2015. Collection method: clinical testing. Allele origin: unknown.

Quest Diagnostics Nichols Institute San Juan Capistrano
Classification: Uncertain significance. Last evaluated: 2023-06-14. Review status: criteria provided, single submitter. Criteria: Quest Diagnostics criteria. Collection method: clinical testing. Allele origin: unknown.
Comment: This variant has not been reported in the published literature. It also has not been reported in large, multi-ethnic general populations (Genome Aggregation Database). Analysis of this variant using bioinformatics tools for the prediction of the effect of amino acid changes on protein structure and function yielded predictions that this variant is damaging. Based on the available information, we are unable to determine the clinical significance of this variant.

NM_004360.5(CDH1):c.585A>C (p.Gln195His)

Gene: CDH1 (cadherin 1; plus strand). Cytogenetic location: 16q22.1.
Variant type: single nucleotide variant.
Coding change: c.585A>C on transcript NM_004360.5 (MANE Select); coding-DNA position 585, A replaced by C.
Protein change: p.Gln195His; replaces glutamine 195 with histidine.
Molecular consequence: missense variant. On other transcripts: 5 prime UTR variant (2).
Genome position (GRCh38, 1-based): chr16:68,808,746, A>C. VCF-style: chr16-68808746-A-C. GRCh37 (hg19) VCF-style: chr16-68842649-A-C.
Other names: c.585A>C, p.Gln195His (NM_001317184.2); c.-1031A>C (NM_001317185.2); c.-1235A>C (NM_001317186.2); c.585A>C (LRG_301t1, NM_004360.4); short protein forms Q195H.
Identifiers: ClinVar variation 483220 (VCV000483220.16), dbSNP rs1555515262, ClinGen allele CA396457958.